The following is an entry in ClinVar:

ClinVar aggregate classification (germline): Benign. Review status: criteria provided, multiple submitters, no conflicts (2 of 4 stars). 2 submissions from 2 submitters: Benign (2). Last evaluated 2018-06-14.

Allele frequency attached by ClinVar (database versions not stated): TOPMed 0.11683; gnomAD 0.12276; 1000 Genomes Project 0.12819; 1000 Genomes Project 30x 0.13148.
gnomAD v4.1: 37,058 of 321,066 alleles (12%); highest among the groups gnomAD compares: East Asian, 21%; 2,725 homozygotes.

Submissions (2):

GeneDx
Classification: Benign. Last evaluated: 2018-06-14. Review status: criteria provided, single submitter. Criteria: GeneDx Variant Classification (06012015). Collection method: clinical testing. Allele origin: germline. Affected: yes.
Comment: This variant is considered likely benign or benign based on one or more of the following criteria: it is a conservative change, it occurs at a poorly conserved position in the protein, it is predicted to be benign by multiple in silico algorithms, and/or has population frequency not consistent with disease.

Breakthrough Genomics
Classification: Benign. Review status: criteria provided, single submitter. Criteria: ACMG Guidelines, 2015. Collection method: not provided. Allele origin: germline. Inheritance: Autosomal recessive inheritance. Affected: yes.

NM_033109.5(PNPT1):c.1822+225A>G

Gene: PNPT1 (polyribonucleotide nucleotidyltransferase 1; minus strand). Cytogenetic location: 2p16.1.
Variant type: single nucleotide variant.
Coding change: c.1822+225A>G on transcript NM_033109.5 (MANE Select); 225 bases into the intron after coding-DNA position 1822, A replaced by G.
Molecular consequence: intron variant.
Genome position (GRCh38, 1-based): chr2:55,645,124, T>C on the plus strand (A>G on the coding strand, the complement: PNPT1 is on the minus strand). VCF-style: chr2-55645124-T-C. GRCh37 (hg19) VCF-style: chr2-55872259-T-C.
Identifiers: ClinVar variation 671594 (VCV000671594.2), dbSNP rs12623293, ClinGen allele CA47650910.